The following is an entry in ClinVar:

ClinVar aggregate classification (germline): Uncertain significance (1 of 4 stars; one submission).

Submission:

Labcorp Genetics (formerly Invitae), Labcorp
Classification: Uncertain significance. Last evaluated: 2021-08-31. Review status: criteria provided, single submitter. Criteria: Invitae Variant Classification Sherloc (09022015). Collection method: clinical testing. Allele origin: germline.
Comment: In summary, the available evidence is currently insufficient to determine the role of this variant in disease. Therefore, it has been classified as a Variant of Uncertain Significance. This sequence change replaces serine with glycine at codon 233 of the RBP3 protein (p.Ser233Gly). The serine residue is weakly conserved and there is a small physicochemical difference between serine and glycine. This variant is not present in population databases (ExAC no frequency). This variant has not been reported in the literature in individuals affected with RBP3-related conditions. Algorithms developed to predict the effect of missense changes on protein structure and function output the following: SIFT: "Tolerated"; PolyPhen-2: "Benign"; Align-GVGD: "Class C0". The glycine amino acid residue is found in multiple mammalian species, which suggests that this missense change does not adversely affect protein function.

NM_002900.3(RBP3):c.697A>G (p.Ser233Gly)

Gene: RBP3 (retinol binding protein 3; plus strand). Cytogenetic location: 10q11.22.
Variant type: single nucleotide variant.
Coding change: c.697A>G on transcript NM_002900.3 (MANE Select); coding-DNA position 697, A replaced by G.
Protein change: p.Ser233Gly; replaces serine 233 with glycine.
Molecular consequence: missense variant.
Genome position (GRCh38, 1-based): chr10:47,349,181, A>G. VCF-style: chr10-47349181-A-G. GRCh37 (hg19) VCF-style: chr10-48390181-T-C.
Other names: short protein forms S233G.
Identifiers: ClinVar variation 1487757 (VCV001487757.6), dbSNP rs2132252815, ClinGen allele CA376666075.